The following is an entry in ClinVar:

ClinVar aggregate classification (germline): Likely pathogenic (1 of 4 stars; one submission).

Conditions:
Pelizaeus-Merzbacher disease. Also called: LEUKODYSTROPHY, HYPOMYELINATING, 1; Sudanophilic leukodystrophy; Pelizaeus-Merzbacher spectrum disorder; Pelizaeus-Merzbacher Disease (PMD); Pelizeaus-Merzbacher spectrum disorder. Identifiers: Orphanet 702, MedGen C0205711, MONDO:0010714, OMIM 312080, HP:0003269.

Submission:

Molecular Diagnostics Lab, Nemours Children's Health, Delaware
Classification: Likely pathogenic for Pelizaeus-Merzbacher disease. Last evaluated: 2021-12-22. Review status: criteria provided, single submitter. Criteria: ACMG Guidelines, 2015. Collection method: clinical testing. Allele origin: unknown. Inheritance: X-linked inheritance. Affected: yes. Observed: 1 hemizygote.
Comment: This variant (c.644delT, p.Phe215Serfs*21) results in a frameshift to a premature termination. It has not been seen in population databases (gnomAD) nor reported in the literature, and no functional studies have been published.

NM_000533.5(PLP1):c.644del (p.Phe215fs)

Genes: PLP1 (proteolipid protein 1; plus strand), RAB9B (RAB9B, member RAS oncogene family; minus strand). Cytogenetic location: Xq22.2.
Variant type: Deletion.
Coding change: c.644del on transcript NM_000533.5 (MANE Select); coding-DNA position 644, one base deleted (T; older notation c.644delT).
Protein change: p.Phe215fs; shifts the reading frame from phenylalanine 215.
Molecular consequence: frameshift variant.
Genome position (GRCh38, 1-based): chrX:103,788,458, T deleted; the last of 3 consecutive T bases (chrX:103,788,456-103,788,458); deleting any one gives the same sequence. VCF-style (leftmost placement, unchanged base first): chrX-103788455-CT-C. GRCh37 (hg19) VCF-style: chrX-103043384-CT-C.
Other names: c.644del, p.Phe215fs (NM_001128834.3); c.479del, p.Phe160fs (NM_001305004.1); c.539del, p.Phe180fs (NM_199478.3); c.644delT (NM_000533.5); short protein forms F160fs, F180fs, F215fs.
Identifiers: ClinVar variation 3255444 (VCV003255444.2), dbSNP rs2522317884.